The following is an entry in ClinVar:

NM_017780.4(CHD7):c.3851C>T (p.Ala1284Val)

Gene: CHD7 (chromodomain helicase DNA binding protein 7; plus strand). Cytogenetic location: 8q12.2.
Variant type: single nucleotide variant.
Coding change: c.3851C>T on transcript NM_017780.4 (MANE Select); coding-DNA position 3851, C replaced by T.
Protein change: p.Ala1284Val; replaces alanine 1284 with valine.
Molecular consequence: missense variant. On other transcripts: intron variant (1).
Genome position (GRCh38, 1-based): chr8:60,836,145, C>T. VCF-style: chr8-60836145-C-T. GRCh37 (hg19) VCF-style: chr8-61748704-C-T.
Other names: c.1717-26084C>T (NM_001316690.1); short protein forms A1284V.
Identifiers: ClinVar variation 639075 (VCV000639075.8), dbSNP rs1586416413, ClinGen allele CA371316245.
Genomic context (GRCh38, chr8:60,836,145, plus strand): 5'-AAATTTTGGAAGAGTTTAAAGAAACACACAATGCAGAGTCTCCAGATTTTCAGCTCCAGG[C>T]AATGATCCAGGCTGCTGGCAAGCTAGTGCTGATTGACAAGCTGCTGCCAAAACTGAAGGC-3'
Protein context (NP_060250.2, residues 1274-1294): NAESPDFQLQ[Ala1284Val]MIQAAGKLVL

ClinVar aggregate classification (germline): Uncertain significance (1 of 4 stars; one submission).

Conditions:
CHARGE syndrome (CHARGE). Also called: Coloboma, heart anomaly, choanal atresia, retardation, genital and ear anomalies; CHARGE association; Hall-Hittner syndrome; Hittner Hirsch Kreh syndrome; CHARGE ASSOCIATION--COLOBOMA, HEART ANOMALY, CHOANAL ATRESIA, RETARDATION, GENITAL AND EAR ANOMALIES. Identifiers: Orphanet 138, MedGen C0265354, MONDO:0008965.

Submission:

Labcorp Genetics (formerly Invitae), Labcorp
Classification: Uncertain significance for CHARGE syndrome. Last evaluated: 2018-11-06. Review status: criteria provided, single submitter. Criteria: Invitae Variant Classification Sherloc (09022015). Collection method: clinical testing. Allele origin: germline.
Comment: Algorithms developed to predict the effect of missense changes on protein structure and function (SIFT, PolyPhen-2, Align-GVGD) all suggest that this variant is likely to be disruptive, but these predictions have not been confirmed by published functional studies and their clinical significance is uncertain. In summary, the available evidence is currently insufficient to determine the role of this variant in disease. Therefore, it has been classified as a Variant of Uncertain Significance. Algorithms developed to predict the effect of sequence changes on RNA splicing suggest that this variant may create or strengthen a splice site, but this prediction has not been confirmed by published transcriptional studies. This variant has not been reported in the literature in individuals with CHD7-related disease. This variant is not present in population databases (ExAC no frequency). This sequence change replaces alanine with valine at codon 1284 of the CHD7 protein (p.Ala1284Val). The alanine residue is highly conserved and there is a small physicochemical difference between alanine and valine.